The following is an entry in ClinVar:

NM_001130987.2(DYSF):c.4576G>T (p.Glu1526Ter)

Gene: DYSF (dysferlin; plus strand). Cytogenetic location: 2p13.2.
Variant type: single nucleotide variant.
Coding change: c.4576G>T on transcript NM_001130987.2 (MANE Select); coding-DNA position 4576, G replaced by T.
Protein change: p.Glu1526Ter; replaces glutamic acid 1526 with a stop codon.
Molecular consequence: nonsense.
Genome position (GRCh38, 1-based): chr2:71,644,013, G>T. VCF-style: chr2-71644013-G-T. GRCh37 (hg19) VCF-style: chr2-71871143-G-T.
Other names: c.4462G>T, p.Glu1488Ter (NM_001130455.2); c.4417G>T, p.Glu1473Ter (NM_001130976.2); c.4480G>T, p.Glu1494Ter (NM_001130977.2); c.4522G>T, p.Glu1508Ter (NM_001130978.2); c.4552G>T, p.Glu1518Ter (NM_001130979.2); c.4510G>T, p.Glu1504Ter (NM_001130980.2); c.4573G>T, p.Glu1525Ter (NM_001130981.2); c.4555G>T, p.Glu1519Ter (NM_001130982.2); and 6 more; short protein forms E1508*, E1526*, E1487*, E1509*, E1518*, E1495*, E1519*, E1473*.
Identifiers: ClinVar variation 283471 (VCV000283471.25), dbSNP rs886042635, ClinGen allele CA10604504.
Genomic context (GRCh38, chr2:71,644,013, plus strand): 5'-CTACCCACTCAGGAGGAAGAGTTCATCGATTGGTGGAGCAAATTCTTTGCCTCCATAGGG[G>T]AGAGGGAAAAGTGCGGCTCCTACCTGGAGAAGGATTTTGACACCCTGAAGGTAAGGCCTC-3'

ClinVar aggregate classification (germline): Pathogenic. Review status: criteria provided, multiple submitters, no conflicts (2 of 4 stars). 6 submissions from 6 submitters: Pathogenic (6). Last evaluated 2024-10-01.

Conditions:
Autosomal recessive limb-girdle muscular dystrophy. Identifiers: Orphanet 102015, MedGen C2931907, MONDO:0015152.
Neuromuscular disease caused by qualitative or quantitative defects of dysferlin. Also called: Dysferlinopathy; Qualitative or quantitative defects of dysferlin. Identifiers: Orphanet 207073, MedGen C2931687, MONDO:0016145.
Miyoshi muscular dystrophy 1 (MMD1). Identifiers: Orphanet 45448, MedGen C4551973, MONDO:0024545, OMIM 254130.
Autosomal recessive limb-girdle muscular dystrophy type 2B (LGMDR2). Also called: MUSCULAR DYSTROPHY, LIMB-GIRDLE, TYPE 3; Limb-Girdle Muscular Dystrophy Type 2B (LGMD2B); Limb-girdle muscular dystrophy, type 2B; MUSCULAR DYSTROPHY, LIMB-GIRDLE, AUTOSOMAL RECESSIVE 2. Identifiers: Orphanet 268, MedGen C1850889, MONDO:0009676, OMIM 253601.

gnomAD v4.1: 1 of 1,612,776 alleles (0.000062%); highest among the groups gnomAD compares: South Asian, 0.0011%; no homozygotes.

Submissions (6):

CeGaT Center for Human Genetics Tuebingen
Classification: Pathogenic. Last evaluated: 2024-10-01. Review status: criteria provided, single submitter. Criteria: CeGaT Center For Human Genetics Tuebingen Variant Classification Criteria Version 2. Collection method: clinical testing. Allele origin: germline. Affected: yes. Observed: 1 variant allele.
Comment: DYSF: PVS1, PM3:Strong, PM2

Natera, Inc.
Classification: Pathogenic for Limb-girdle muscular dystrophy type 2B. Last evaluated: 2024-08-26. Review status: criteria provided, single submitter. Criteria: Natera Variant Classification Schema (03/2026). Collection method: clinical testing. Allele origin: germline.
Comment: The c.4459G>T variant in DYSF is a nonsense variant predicted to introduce a stop codon at amino acid 1487. This variant is expected to result in nonsense mediated decay, truncation, or a dysfunctional protein product. This variant is rare in the general population with a frequency below the threshold expected for the associated phenotype(s). This variant has been observed in one or more individuals affected with the associated recessive disease, as either homozygous or compound heterozygous with a second variant (PMID: 36580222). Given the available evidence, this variant is classified as Pathogenic.

Myriad Genetics, Inc.
Classification: Pathogenic for Autosomal recessive limb-girdle muscular dystrophy. Last evaluated: 2024-05-08. Review status: criteria provided, single submitter. Criteria: Myriad Autosomal Dominant, Autosomal Recessive and X-Linked Classification Criteria (2023). Collection method: clinical testing. Allele origin: unknown.
Comment: NM_003494.3(DYSF):c.4459G>T(E1487*) is expected to be pathogenic in the context of dysferlinopathy. This variant is predicted to lead to an abnormal or absent protein product due to the creation of a premature termination codon in DYSF, a gene where loss-of-function variants are known to be pathogenic. Please note: this variant was assessed in the context of healthy population screening.

Labcorp Genetics (formerly Invitae), Labcorp
Classification: Pathogenic for Neuromuscular disease caused by qualitative or quantitative defects of dysferlin. Last evaluated: 2023-05-01. Review status: criteria provided, single submitter. Criteria: Invitae Variant Classification Sherloc (09022015). Collection method: clinical testing. Allele origin: germline.
Comment: For these reasons, this variant has been classified as Pathogenic. ClinVar contains an entry for this variant (Variation ID: 283471). This variant has not been reported in the literature in individuals affected with DYSF-related conditions. This variant is not present in population databases (gnomAD no frequency). This sequence change creates a premature translational stop signal (p.Glu1487*) in the DYSF gene. It is expected to result in an absent or disrupted protein product. Loss-of-function variants in DYSF are known to be pathogenic (PMID: 17698709, 20301480).

Eurofins Ntd Llc (ga)
Classification: Pathogenic. Last evaluated: 2015-09-22. Review status: criteria provided, single submitter. Criteria: EGL Classification Definitions 2015. Collection method: clinical testing. Allele origin: germline. Observed: 1 variant allele, 1 heterozygote.

Suma Genomics
Classification: Pathogenic for Miyoshi muscular dystrophy 1. Review status: criteria provided, single submitter. Criteria: ACMG Guidelines, 2015. Collection method: clinical testing. Allele origin: inherited. Inheritance: Autosomal recessive inheritance. Affected: yes.

Literature cited by the submitters: PubMed 36580222 (cited by Natera, Inc.); PubMed 17698709 (cited by Labcorp Genetics (formerly Invitae), Labcorp); PubMed 20301480 (cited by Labcorp Genetics (formerly Invitae), Labcorp).